The following is an entry in ClinVar:

ClinVar aggregate classification (germline): Benign/Likely benign. Review status: criteria provided, multiple submitters, no conflicts (2 of 4 stars). 7 submissions from 7 submitters: Benign (3); Likely benign (3). 1 of the submissions does not count toward it. Last evaluated 2026-02-03.

Conditions:
PNPT1-related disorder. Also called: PNPT1-related condition; PNPT1-related disorders.

Allele frequency attached by ClinVar (database versions not stated): gnomAD exomes 0.00035 and 0.00100; ExAC 0.00138; 1000 Genomes Project 30x 0.00453; gnomAD 0.00459 and 0.00492; TOPMed 0.00506; 1000 Genomes Project 0.00519; ESP Exome Variant Server 0.00524.
gnomAD v4.1: 1,209 of 1,542,178 alleles (0.078%); highest among the groups gnomAD compares: African/African-American, 1.6%; 15 homozygotes.

Submissions (7):

Labcorp Genetics (formerly Invitae), Labcorp
Classification: Benign. Last evaluated: 2026-02-03. Review status: criteria provided, single submitter. Criteria: Invitae Variant Classification Sherloc (09022015). Collection method: clinical testing. Allele origin: germline.

Blueprint Genetics
Classification: Likely benign. Last evaluated: 2024-10-24. Review status: criteria provided, single submitter. Criteria: ACMG Guidelines, 2015. Collection method: clinical testing. Allele origin: germline.

Mayo Clinic Laboratories, Mayo Clinic
Classification: Benign. Last evaluated: 2021-11-22. Review status: criteria provided, single submitter. Criteria: ACMG Guidelines, 2015. Collection method: clinical testing. Allele origin: germline. Observed: 4 variant alleles.
Comment: BS1, BS2, BP4

Center for Pediatric Genomic Medicine, Children's Mercy Hospital and Clinics
Classification: Likely benign. Last evaluated: 2016-07-22. Review status: criteria provided, single submitter. Criteria: ACMG Guidelines, 2015. Collection method: clinical testing. Allele origin: germline.
ClinVar note: Converted during submission from Likely Benign to Likely benign.

GeneDx
Classification: Benign. Last evaluated: 2014-07-21. Review status: criteria provided, single submitter. Criteria: GeneDx Variant Classification (06012015). Collection method: clinical testing. Allele origin: germline. Affected: yes.
Comment: This variant is considered likely benign or benign based on one or more of the following criteria: it is a conservative change, it occurs at a poorly conserved position in the protein, it is predicted to be benign by multiple in silico algorithms, and/or has population frequency not consistent with disease.

Breakthrough Genomics
Classification: Likely benign. Review status: criteria provided, single submitter. Criteria: ACMG Guidelines, 2015. Collection method: not provided. Allele origin: germline. Inheritance: Autosomal recessive inheritance. Affected: yes.

PreventionGenetics, part of Exact Sciences
Classification: Benign for PNPT1-related condition. Last evaluated: 2020-01-13. Review status: no assertion criteria provided. Collection method: clinical testing. Allele origin: germline. Not counted in ClinVar's aggregate classification.
Comment: This variant is classified as benign based on ACMG/AMP sequence variant interpretation guidelines (Richards et al. 2015 PMID: 25741868, with internal and published modifications).

NM_033109.5(PNPT1):c.944A>G (p.Lys315Arg)

Gene: PNPT1 (polyribonucleotide nucleotidyltransferase 1; minus strand). Cytogenetic location: 2p16.1.
Variant type: single nucleotide variant.
Coding change: c.944A>G on transcript NM_033109.5 (MANE Select); coding-DNA position 944, A replaced by G.
Protein change: p.Lys315Arg; replaces lysine 315 with arginine.
Molecular consequence: missense variant.
Genome position (GRCh38, 1-based): chr2:55,671,351, T>C on the plus strand (A>G on the coding strand, the complement: PNPT1 is on the minus strand). VCF-style: chr2-55671351-T-C. GRCh37 (hg19) VCF-style: chr2-55898486-T-C.
Other names: p.K315R:AAA>AGA; p.Lys315Arg; short protein forms K315R.
Identifiers: ClinVar variation 214999 (VCV000214999.19), dbSNP rs35405862, ClinGen allele CA323215.